The following is an entry in ClinVar:

ClinVar aggregate classification (germline): Likely benign (0 of 4 stars; one submission).

Conditions:
LZTFL1-related disorder. Also called: LZTFL1-related condition.

gnomAD v4.1: 2 of 1,613,644 alleles (0.00012%); highest among the groups gnomAD compares: Admixed American, 0.0033%; no homozygotes.

Submission:

PreventionGenetics, part of Exact Sciences
Classification: Likely benign for LZTFL1-related condition. Last evaluated: 2023-06-22. Review status: no assertion criteria provided. Collection method: clinical testing. Allele origin: germline.
Comment: This variant is classified as likely benign based on ACMG/AMP sequence variant interpretation guidelines (Richards et al. 2015 PMID: 25741868, with internal and published modifications).

NM_020347.4(LZTFL1):c.429A>G (p.Glu143=)

Gene: LZTFL1 (leucine zipper transcription factor like 1; minus strand). Cytogenetic location: 3p21.31.
Variant type: single nucleotide variant.
Coding change: c.429A>G on transcript NM_020347.4 (MANE Select); coding-DNA position 429, A replaced by G.
Protein change: p.Glu143=; no amino-acid change (glutamic acid 143 retained).
Molecular consequence: synonymous variant. On other transcripts: non-coding transcript variant (2).
Genome position (GRCh38, 1-based): chr3:45,833,077, T>C on the plus strand (A>G on the coding strand, the complement: LZTFL1 is on the minus strand). VCF-style: chr3-45833077-T-C. GRCh37 (hg19) VCF-style: chr3-45874569-T-C.
Other names: c.378A>G, p.Glu126= (NM_001276378.2, NM_001386451.1, NM_001405922.1 and 4 more transcripts); c.417A>G, p.Glu139= (NM_001276379.2, NM_001405921.1); c.429A>G, p.Glu143= (NM_001386452.1, NM_001405924.1); c.453A>G, p.Glu151= (NM_001405920.1, NM_001405925.1).
Identifiers: ClinVar variation 3356698 (VCV003356698.1).
Genomic context (GRCh38, chr3:45,833,077, plus strand): 5'-GAGACTTTCCGTTTCTCAAAATAATAATATTACCTTGTTTAGGAGTTCTGCTGTTCCACC[T>C]TCATTAAGTGGAGCAAGTTTTGGCTTTGTGACATCTAAGATGGGCTGAAACAAAATAAAG-3'
Protein context (NP_065080.1, residues 133-153): VTKPKLAPLN[Glu143=]GGTAELLNKE